The following is an entry in ClinVar:

ClinVar aggregate classification (germline): Uncertain significance (1 of 4 stars; one submission).

Conditions:
Alagille syndrome due to a JAG1 point mutation. Also called: JAG1-Related Alagille Syndrome; HEPATIC DUCTULAR HYPOPLASIA, SYNDROMATIC; Alagille Syndrome 1. Identifiers: Orphanet 261619, Orphanet 52, MedGen C1956125, MONDO:0016862, OMIM 118450.

gnomAD v4.1: 4 of 1,604,664 alleles (0.00025%); highest among the groups gnomAD compares: Middle Eastern, 0.017%; no homozygotes.

Submission:

Labcorp Genetics (formerly Invitae), Labcorp
Classification: Uncertain significance for Alagille syndrome due to a JAG1 point mutation. Last evaluated: 2024-11-03. Review status: criteria provided, single submitter. Criteria: Invitae Variant Classification Sherloc (09022015). Collection method: clinical testing. Allele origin: germline.
Comment: This sequence change falls in intron 14 of the JAG1 gene. It does not directly change the encoded amino acid sequence of the JAG1 protein. It affects a nucleotide within the consensus splice site. This variant is present in population databases (rs375740296, gnomAD 0.0009%). This variant has not been reported in the literature in individuals affected with JAG1-related conditions. Variants that disrupt the consensus splice site are a relatively common cause of aberrant splicing (PMID: 17576681, 9536098). Algorithms developed to predict the effect of sequence changes on RNA splicing suggest that this variant is not likely to affect RNA splicing. In summary, the available evidence is currently insufficient to determine the role of this variant in disease. Therefore, it has been classified as a Variant of Uncertain Significance.

Literature cited by the submitters: PubMed 17576681; PubMed 9536098.

NM_000214.3(JAG1):c.1886-3T>C

Gene: JAG1 (jagged canonical Notch ligand 1; minus strand). Cytogenetic location: 20p12.2.
Variant type: single nucleotide variant.
Coding change: c.1886-3T>C on transcript NM_000214.3 (MANE Select); 3 bases into the intron before coding-DNA position 1886, T replaced by C.
Molecular consequence: intron variant.
Genome position (GRCh38, 1-based): chr20:10,646,087, A>G on the plus strand (T>C on the coding strand, the complement: JAG1 is on the minus strand). VCF-style: chr20-10646087-A-G. GRCh37 (hg19) VCF-style: chr20-10626735-A-G.
Identifiers: ClinVar variation 3719079 (VCV003719079.2).